The following is an entry in ClinVar:

ClinVar aggregate classification (germline): Uncertain significance (1 of 4 stars; one submission).

Conditions:
Charcot-Marie-Tooth disease, type I (CMT1). Also called: Charcot-Marie-Tooth, Type 1; Charcot-Marie-Tooth disease type 1. Identifiers: Orphanet 65753, MedGen C0751036, MONDO:0019011.

Allele frequency attached by ClinVar (database versions not stated): gnomAD exomes below 0.00001.

Submission:

Labcorp Genetics (formerly Invitae), Labcorp
Classification: Uncertain significance for Charcot-Marie-Tooth disease, type I. Last evaluated: 2022-11-01. Review status: criteria provided, single submitter. Criteria: Invitae Variant Classification Sherloc (09022015). Collection method: clinical testing. Allele origin: germline.
Comment: This variant has not been reported in the literature in individuals affected with EGR2-related conditions. In summary, the available evidence is currently insufficient to determine the role of this variant in disease. Therefore, it has been classified as a Variant of Uncertain Significance. Advanced modeling of protein sequence and biophysical properties (such as structural, functional, and spatial information, amino acid conservation, physicochemical variation, residue mobility, and thermodynamic stability) has been performed at Invitae for this missense variant, however the output from this modeling did not meet the statistical confidence thresholds required to predict the impact of this variant on EGR2 protein function. ClinVar contains an entry for this variant (Variation ID: 1383838). This variant is not present in population databases (gnomAD no frequency). This sequence change replaces isoleucine with valine at codon 320 of the EGR2 protein (p.Ile320Val). The isoleucine residue is highly conserved and there is a small physicochemical difference between isoleucine and valine.

NM_000399.5(EGR2):c.958A>G (p.Ile320Val)

Gene: EGR2 (early growth response 2; minus strand). Cytogenetic location: 10q21.3.
Variant type: single nucleotide variant.
Coding change: c.958A>G on transcript NM_000399.5 (MANE Select); coding-DNA position 958, A replaced by G.
Protein change: p.Ile320Val; replaces isoleucine 320 with valine.
Molecular consequence: missense variant.
Genome position (GRCh38, 1-based): chr10:62,813,680, T>C on the plus strand (A>G on the coding strand, the complement: EGR2 is on the minus strand). VCF-style: chr10-62813680-T-C. GRCh37 (hg19) VCF-style: chr10-64573440-T-C.
Other names: c.958A>G, p.Ile320Val (NM_001136177.3, NM_001136178.2); c.808A>G, p.Ile270Val (NM_001136179.3, NM_001321037.2); short protein forms I320V, I270V.
Identifiers: ClinVar variation 1383838 (VCV001383838.6), dbSNP rs2132703451, ClinGen allele CA377028275.
Genomic context (GRCh38, chr10:62,813,680, plus strand): 5'-AGGGCCTCTCGTGCACCGGCGTCTTGCTGGGTCTGTTGGGGTACTTGCGAGGCCTCAGAA[T>C]GGGCCGCAGTGGCAGGTGGTGTGGGTTATAGGCGGCGGCGGCGGCGGCTGCTGCTGCTGC-3'
Protein context (NP_000390.2, residues 310-330): YNPHHLPLRP[Ile320Val]LRPRKYPNRP